The following is an entry in ClinVar:

ClinVar aggregate classification (germline): Uncertain significance (1 of 4 stars; one submission).

Allele frequency attached by ClinVar (database versions not stated): ExAC 0.00002.
gnomAD v4.1: 6 of 1,609,586 alleles (0.00037%); highest among the groups gnomAD compares: Non-Finnish European, 0.00051%; no homozygotes.

Submission:

Labcorp Genetics (formerly Invitae), Labcorp
Classification: Uncertain significance. Last evaluated: 2023-03-08. Review status: criteria provided, single submitter. Criteria: Invitae Variant Classification Sherloc (09022015). Collection method: clinical testing. Allele origin: germline.
Comment: This variant has not been reported in the literature in individuals affected with PCLO-related conditions. This variant is present in population databases (rs747571800, gnomAD 0.002%). This sequence change replaces glutamine, which is neutral and polar, with histidine, which is basic and polar, at codon 483 of the PCLO protein (p.Gln483His). An algorithm developed to predict the effect of missense changes on protein structure and function (PolyPhen-2) suggests that this variant is likely to be tolerated. In summary, the available evidence is currently insufficient to determine the role of this variant in disease. Therefore, it has been classified as a Variant of Uncertain Significance.

NM_033026.6(PCLO):c.1449G>T (p.Gln483His)

Gene: PCLO (piccolo presynaptic cytomatrix protein; minus strand). Cytogenetic location: 7q21.11.
Variant type: single nucleotide variant.
Coding change: c.1449G>T on transcript NM_033026.6 (MANE Select); coding-DNA position 1449, G replaced by T.
Protein change: p.Gln483His; replaces glutamine 483 with histidine.
Molecular consequence: missense variant.
Genome position (GRCh38, 1-based): chr7:83,155,192, C>A on the plus strand (G>T on the coding strand, the complement: PCLO is on the minus strand). VCF-style: chr7-83155192-C-A. GRCh37 (hg19) VCF-style: chr7-82784508-C-A.
Other names: c.1449G>T, p.Gln483His (NM_014510.3); short protein forms Q483H.
Identifiers: ClinVar variation 2803649 (VCV002803649.3), dbSNP rs747571800, ClinGen allele CA4321460.